The following is an entry in ClinVar:

NM_001008537.3(NEXMIF):c.1131dup (p.Lys378Ter)

Gene: NEXMIF (neurite extension and migration factor; minus strand). Cytogenetic location: Xq13.3.
Variant type: Duplication.
Coding change: c.1131dup on transcript NM_001008537.3 (MANE Select); coding-DNA position 1131, one base duplicated (T; older notation c.1131dupT).
Protein change: p.Lys378Ter; replaces lysine 378 with a stop codon.
Molecular consequence: nonsense.
Genome position (GRCh38, 1-based): chrX:74,743,426, A duplicated on the plus strand (T on the coding strand, the reverse complement: NEXMIF is on the minus strand). VCF-style (leftmost placement, unchanged base first): chrX-74743425-T-TA. GRCh37 (hg19) VCF-style: chrX-73963260-T-TA.
Other names: short protein forms K378*.
Identifiers: ClinVar variation 3024518 (VCV003024518.10), dbSNP rs2519915802, ClinGen allele CA2740092202.
Genomic context (GRCh38, chrX:74,743,425, plus strand): 5'-TCTTCTCTACACCTTTGTCTTCCTGTCCTTCCTCTTTGCCTTTCTTCTTGTCCAAGTTTT[T>TA]ATCTTCCTCCCCCCAGATGATGCTCACATCAGGGACCTTGAATTGGGAAAAATCACTGCT-3'

ClinVar aggregate classification (germline): Pathogenic. Review status: criteria provided, multiple submitters, no conflicts (2 of 4 stars). 2 submissions from 2 submitters: Pathogenic (2). Last evaluated 2025-08-01.

Conditions:
X-linked intellectual disability, Cantagrel type (XLID98). Also called: INTELLECTUAL DEVELOPMENTAL DISORDER, X-LINKED 98. Identifiers: Orphanet 85277, MedGen C3806730, MONDO:0010483, OMIM 300912.

Submissions (2):

CeGaT Center for Human Genetics Tuebingen
Classification: Pathogenic. Last evaluated: 2025-08-01. Review status: criteria provided, single submitter. Criteria: CeGaT Center For Human Genetics Tuebingen Variant Classification Criteria Version 2. Collection method: clinical testing. Allele origin: germline. Affected: yes. Observed: 1 variant allele.
Comment: NEXMIF: PVS1, PM2

Institute of Human Genetics, University of Leipzig Medical Center
Classification: Pathogenic for X-linked intellectual disability, Cantagrel type. Last evaluated: 2024-02-22. Review status: criteria provided, single submitter. Criteria: ACMG Guidelines, 2015. Collection method: clinical testing. Allele origin: de novo. Inheritance: X-linked dominant inheritance. Affected: yes.
Comment: Criteria applied: PVS1,PS2_MOD,PM2_SUP